The following is an entry in ClinVar:

ClinVar aggregate classification (germline): Uncertain significance (1 of 4 stars; one submission).

Submission:

GeneDx
Classification: Uncertain significance. Last evaluated: 2025-08-02. Review status: criteria provided, single submitter. Criteria: GeneDx Variant Classification Process June 2021. Collection method: clinical testing. Allele origin: germline. Affected: yes.
Comment: Not observed at significant frequency in large population cohorts (gnomAD); In silico analysis suggests that this missense variant does not alter protein structure/function; Has not been previously published as pathogenic or benign to our knowledge

NM_030632.3(ASXL3):c.1630A>T (p.Ile544Phe)

Gene: ASXL3 (ASXL transcriptional regulator 3; plus strand). Cytogenetic location: 18q12.1.
Variant type: single nucleotide variant.
Coding change: c.1630A>T on transcript NM_030632.3 (MANE Select); coding-DNA position 1630, A replaced by T.
Protein change: p.Ile544Phe; replaces isoleucine 544 with phenylalanine.
Molecular consequence: missense variant.
Genome position (GRCh38, 1-based): chr18:33,739,034, A>T. VCF-style: chr18-33739034-A-T. GRCh37 (hg19) VCF-style: chr18-31318998-A-T.
Other names: short protein forms I544F.
Identifiers: ClinVar variation 4690065 (VCV004690065.1).